The following is an entry in ClinVar:

NM_007194.4(CHEK2):c.1632A>T (p.Ter544Cys)

Gene: CHEK2 (checkpoint kinase 2; minus strand). Cytogenetic location: 22q12.1.
Variant type: single nucleotide variant.
Coding change: c.1632A>T on transcript NM_007194.4 (MANE Select); coding-DNA position 1632, A replaced by T.
Protein change: p.Ter544Cys.
Molecular consequence: stop lost.
Genome position (GRCh38, 1-based): chr22:28,687,897, T>A on the plus strand (A>T on the coding strand, the complement: CHEK2 is on the minus strand). VCF-style: chr22-28687897-T-A. GRCh37 (hg19) VCF-style: chr22-29083885-T-A.
Other names: c.1761A>T, p.Ter587Cys (NM_001005735.3); c.969A>T, p.Ter323Cys (NM_001257387.3); c.1431A>T, p.Ter477Cys (NM_001349956.3); c.1545A>T, p.Ter515Cys (NM_145862.3).
Identifiers: ClinVar variation 2034780 (VCV002034780.4), dbSNP rs2517746537, ClinGen allele CA411090928.

ClinVar aggregate classification (germline): Uncertain significance (1 of 4 stars; one submission).

Conditions:
Familial cancer of breast. Also called: BREAST CANCER, FAMILIAL; Hereditary breast cancer; hereditary breast carcinoma. Identifiers: Orphanet 227535, MedGen C0346153, MONDO:0016419, OMIM 114480. Disease mechanism: loss of function.

Submission:

Labcorp Genetics (formerly Invitae), Labcorp
Classification: Uncertain significance for Familial cancer of breast. Last evaluated: 2023-09-22. Review status: criteria provided, single submitter. Criteria: Invitae Variant Classification Sherloc (09022015). Collection method: clinical testing. Allele origin: germline.
Comment: This sequence change disrupts the translational stop signal of the CHEK2 mRNA. It is expected to extend the length of the CHEK2 protein by 48 additional amino acid residues. This variant is not present in population databases (gnomAD no frequency). This variant has not been reported in the literature in individuals affected with CHEK2-related conditions. ClinVar contains an entry for this variant (Variation ID: 2034780). Experimental studies and prediction algorithms are not available or were not evaluated, and the functional significance of this variant is currently unknown. In summary, the available evidence is currently insufficient to determine the role of this variant in disease. Therefore, it has been classified as a Variant of Uncertain Significance.